The following is an entry in ClinVar:

NM_020461.4(TUBGCP6):c.3518A>G (p.Glu1173Gly)

Gene: TUBGCP6 (tubulin gamma complex component 6; minus strand). Cytogenetic location: 22q13.33.
Variant type: single nucleotide variant.
Coding change: c.3518A>G on transcript NM_020461.4 (MANE Select); coding-DNA position 3518, A replaced by G.
Protein change: p.Glu1173Gly; replaces glutamic acid 1173 with glycine.
Molecular consequence: missense variant.
Genome position (GRCh38, 1-based): chr22:50,220,841, T>C on the plus strand (A>G on the coding strand, the complement: TUBGCP6 is on the minus strand). VCF-style: chr22-50220841-T-C. GRCh37 (hg19) VCF-style: chr22-50659270-T-C.
Other names: short protein forms E1173G.
Identifiers: ClinVar variation 1519141 (VCV001519141.8), dbSNP rs1293006250, ClinGen allele CA412181990.

ClinVar aggregate classification (germline): Uncertain significance (1 of 4 stars; one submission).

Allele frequency attached by ClinVar (database versions not stated): gnomAD exomes 0.00001.
gnomAD v4.1: 8 of 1,601,136 alleles (0.0005%); highest among the groups gnomAD compares: Non-Finnish European, 0.00068%; no homozygotes.

Submission:

Labcorp Genetics (formerly Invitae), Labcorp
Classification: Uncertain significance. Last evaluated: 2021-03-24. Review status: criteria provided, single submitter. Criteria: Invitae Variant Classification Sherloc (09022015). Collection method: clinical testing. Allele origin: germline.
Comment: In summary, the available evidence is currently insufficient to determine the role of this variant in disease. Therefore, it has been classified as a Variant of Uncertain Significance. Algorithms developed to predict the effect of missense changes on protein structure and function output the following: SIFT: "Deleterious"; PolyPhen-2: "Not Available"; Align-GVGD: "Class C0". The glycine amino acid residue is found in multiple mammalian species, suggesting that this missense change does not adversely affect protein function. These predictions have not been confirmed by published functional studies and their clinical significance is uncertain. This variant has not been reported in the literature in individuals with TUBGCP6-related conditions. This variant is not present in population databases (ExAC no frequency). This sequence change replaces glutamic acid with glycine at codon 1173 of the TUBGCP6 protein (p.Glu1173Gly). The glutamic acid residue is weakly conserved and there is a moderate physicochemical difference between glutamic acid and glycine.